The following is an entry in ClinVar:

NM_198428.3(BBS9):c.2591T>G (p.Phe864Cys)

Gene: BBS9 (Bardet-Biedl syndrome 9; plus strand). Cytogenetic location: 7p14.3.
Variant type: single nucleotide variant.
Coding change: c.2591T>G on transcript NM_198428.3 (MANE Select); coding-DNA position 2591, T replaced by G.
Protein change: p.Phe864Cys; replaces phenylalanine 864 with cysteine.
Molecular consequence: missense variant. On other transcripts: non-coding transcript variant (3), intron variant (1).
Genome position (GRCh38, 1-based): chr7:33,604,934, T>G. VCF-style: chr7-33604934-T-G. GRCh37 (hg19) VCF-style: chr7-33644546-T-G.
Other names: c.2225T>G, p.Phe742Cys (NM_001348046.3, NM_001348045.3); c.2471T>G, p.Phe824Cys (NM_014451.4, NM_001348040.3); c.2522-30243T>G (NM_001362679.1); c.2456T>G, p.Phe819Cys (NM_001348042.3); c.2591T>G, p.Phe864Cys (NM_001348043.3, NM_001348041.4, NM_001348036.1); c.2120T>G, p.Phe707Cys (NM_001348044.3); c.2486T>G, p.Phe829Cys (NM_001033604.2); c.2576T>G, p.Phe859Cys (NM_001033605.2); and 3 more; short protein forms F681C, F707C, F738C, F773C, F824C, F859C, F742C, F819C.
Identifiers: ClinVar variation 954473 (VCV000954473.7), dbSNP rs1490049568, ClinGen allele CA367256514.
Genomic context (GRCh38, chr7:33,604,934, plus strand): 5'-CTACAATCCCAGAGTCAGACCTAGAAGAAAGATCAGTAGAACAAGACTCTACAGAACTGT[T>G]TACCAACCACAGACATCTCACTGCAGAGACACCCAGGCCTGGTAAGAGACTGGATGGCCT-3'
Protein context (NP_940820.1, residues 854-874): RSVEQDSTEL[Phe864Cys]TNHRHLTAET

ClinVar aggregate classification (germline): Uncertain significance (1 of 4 stars; one submission).

Conditions:
Bardet-Biedl syndrome (BBS). Identifiers: Orphanet 110, MedGen C0752166, MONDO:0015229.

Allele frequency attached by ClinVar (database versions not stated): gnomAD exomes below 0.00001 and 0.00001; TOPMed below 0.00001.
gnomAD v4.1: 13 of 1,613,742 alleles (0.00081%); highest among the groups gnomAD compares: Non-Finnish European, 0.001%; no homozygotes.

Submission:

Labcorp Genetics (formerly Invitae), Labcorp
Classification: Uncertain significance for Bardet-Biedl syndrome. Last evaluated: 2022-10-13. Review status: criteria provided, single submitter. Criteria: Invitae Variant Classification Sherloc (09022015). Collection method: clinical testing. Allele origin: germline.
Comment: This sequence change replaces phenylalanine, which is neutral and non-polar, with cysteine, which is neutral and slightly polar, at codon 864 of the BBS9 protein (p.Phe864Cys). This variant is not present in population databases (gnomAD no frequency). This variant has not been reported in the literature in individuals affected with BBS9-related conditions. ClinVar contains an entry for this variant (Variation ID: 954473). Algorithms developed to predict the effect of missense changes on protein structure and function are either unavailable or do not agree on the potential impact of this missense change (SIFT: "Deleterious"; PolyPhen-2: "Benign"; Align-GVGD: "Class C0"). In summary, the available evidence is currently insufficient to determine the role of this variant in disease. Therefore, it has been classified as a Variant of Uncertain Significance.